The following is an entry in ClinVar:

NM_001447.3(FAT2):c.3944C>T (p.Thr1315Met)

Genes: FAT2 (FAT atypical cadherin 2; minus strand), SLC36A1 (solute carrier family 36 member 1; plus strand). Cytogenetic location: 5q33.1.
Variant type: single nucleotide variant.
Coding change: c.3944C>T on transcript NM_001447.3 (MANE Select); coding-DNA position 3944, C replaced by T.
Protein change: p.Thr1315Met; replaces threonine 1315 with methionine.
Molecular consequence: missense variant.
Genome position (GRCh38, 1-based): chr5:151,554,363, G>A on the plus strand (C>T on the coding strand, the complement: FAT2 is on the minus strand). VCF-style: chr5-151554363-G-A. GRCh37 (hg19) VCF-style: chr5-150933924-G-A.
Other names: short protein forms T1315M.
Identifiers: ClinVar variation 2371739 (VCV002371739.25), dbSNP rs139121881, ClinGen allele CA3521698.

ClinVar aggregate classification (germline): Conflicting classifications of pathogenicity. Review status: criteria provided, conflicting classifications (1 of 4 stars). 3 submissions from 3 submitters: Uncertain significance (2); Likely benign (1). Last evaluated 2026-02-05.

Allele frequency attached by ClinVar (database versions not stated): TOPMed 0.00001; gnomAD exomes 0.00003; gnomAD 0.00004; ExAC 0.00005; 1000 Genomes Project 30x 0.00031; 1000 Genomes Project 0.00040.
gnomAD v4.1: 50 of 1,612,672 alleles (0.0031%); highest among the groups gnomAD compares: East Asian, 0.018%; no homozygotes.

Submissions (3):

Women's Health and Genetics/Laboratory Corporation of America, LabCorp
Classification: Uncertain significance. Last evaluated: 2026-02-05. Review status: criteria provided, single submitter. Criteria: LabCorp Variant Classification Summary - May 2015. Collection method: clinical testing. Allele origin: germline.
Comment: Variant summary: FAT2 c.3944C>T (p.Thr1315Met) results in a non-conservative amino acid change in the encoded protein sequence. Algorithms developed to predict the effect of missense changes on protein structure and function are either unavailable or do not agree on the potential impact of this missense change. Consensus agreement among computation tools predict no significant impact on normal splicing. However, these predictions have yet to be confirmed by functional studies. The variant allele was found at a frequency of 5.2e-05 in 249644 control chromosomes. This frequency is not significantly higher than estimated for disease-causing variants in FAT2, allowing no conclusion about variant significance. To our knowledge, no occurrence of c.3944C>T in individuals affected with FAT2-related conditions and no experimental evidence demonstrating its impact on protein function have been reported. ClinVar contains an entry for this variant (Variation ID: 2371739). Based on the evidence outlined above, the variant was classified as uncertain significance.

CeGaT Center for Human Genetics Tuebingen
Classification: Likely benign. Last evaluated: 2024-01-01. Review status: criteria provided, single submitter. Criteria: CeGaT Center For Human Genetics Tuebingen Variant Classification Criteria Version 2. Collection method: clinical testing. Allele origin: germline. Affected: yes. Observed: 1 variant allele.
Comment: FAT2: BP4

Ambry Genetics
Classification: Uncertain significance. Last evaluated: 2021-06-22. Review status: criteria provided, single submitter. Criteria: Ambry Variant Classification Scheme 2023. Collection method: clinical testing. Allele origin: germline.